The following is an entry in ClinVar:

ClinVar aggregate classification (germline): Uncertain significance (1 of 4 stars; one submission).

Conditions:
POLD1-related polyposis and colorectal cancer syndrome (CRCS10). Also called: Colorectal cancer 10; COLORECTAL CANCER, SUSCEPTIBILITY TO, ON CHROMOSOME 19q; Colorectal cancer, susceptibility to, 10. Identifiers: Orphanet 220460, MedGen C2675481, MONDO:0012953, OMIM 612591.

Submission:

Labcorp Genetics (formerly Invitae), Labcorp
Classification: Uncertain significance for POLD1-related polyposis and colorectal cancer syndrome. Last evaluated: 2024-08-27. Review status: criteria provided, single submitter. Criteria: Invitae Variant Classification Sherloc (09022015). Collection method: clinical testing. Allele origin: germline.
Comment: This sequence change replaces histidine, which is basic and polar, with arginine, which is basic and polar, at codon 821 of the POLD1 protein (p.His821Arg). This variant is not present in population databases (gnomAD no frequency). This variant has not been reported in the literature in individuals affected with POLD1-related conditions. Invitae Evidence Modeling of protein sequence and biophysical properties (such as structural, functional, and spatial information, amino acid conservation, physicochemical variation, residue mobility, and thermodynamic stability) indicates that this missense variant is expected to disrupt POLD1 protein function with a positive predictive value of 80%. In summary, the available evidence is currently insufficient to determine the role of this variant in disease. Therefore, it has been classified as a Variant of Uncertain Significance.

NM_002691.4(POLD1):c.2462A>G (p.His821Arg)

Gene: POLD1 (DNA polymerase delta 1, catalytic subunit; plus strand). Cytogenetic location: 19q13.33.
Variant type: single nucleotide variant.
Coding change: c.2462A>G on transcript NM_002691.4 (MANE Select); coding-DNA position 2462, A replaced by G.
Protein change: p.His821Arg; replaces histidine 821 with arginine.
Molecular consequence: missense variant. On other transcripts: non-coding transcript variant (1).
Genome position (GRCh38, 1-based): chr19:50,414,888, A>G. VCF-style: chr19-50414888-A-G. GRCh37 (hg19) VCF-style: chr19-50918145-A-G.
Other names: c.2462A>G, p.His821Arg (NM_001256849.1); c.2540A>G, p.His847Arg (NM_001308632.1); short protein forms H821R, H847R.
Identifiers: ClinVar variation 3699970 (VCV003699970.2).
Genomic context (GRCh38, chr19:50,414,888, plus strand): 5'-ACCTGCTTATCAGCAAGAAGCGCTACGCGGGCCTGCTCTTCTCCTCCCGGCCCGACGCCC[A>G]CGACCGCATGGACTGCAAGGGCCTGGAGGCCGTGCGCAGGGACAACTGCCCCCTCGTGGC-3'
Protein context (NP_002682.2, residues 811-831): GLLFSSRPDA[His821Arg]DRMDCKGLEA